The following is an entry in ClinVar:

NM_001440459.1(GRID2):c.2750del (p.Asp917fs)

Gene: GRID2 (glutamate ionotropic receptor delta type subunit 2; plus strand). Cytogenetic location: 4q22.2.
Variant type: Deletion.
Coding change: c.2750del on transcript NM_001440459.1; coding-DNA position 2750, one base deleted (A; older notation c.2750delA).
Protein change: p.Asp917fs; shifts the reading frame from aspartic acid 917.
Molecular consequence: frameshift variant.
Genome position (GRCh38, 1-based): chr4:93,806,863, A deleted. VCF-style (leftmost placement, unchanged base first): chr4-93806862-GA-G. GRCh37 (hg19) VCF-style: chr4-94728013-GA-G.
Other names: short protein forms D917fs.
Identifiers: ClinVar variation 4279534 (VCV004279534.1).

ClinVar aggregate classification (germline): Uncertain significance (1 of 4 stars; one submission).

Conditions:
Autosomal recessive spinocerebellar ataxia 18. Identifiers: Orphanet 363432, MedGen C4015505, MONDO:0014530, OMIM 616204.

Submission:

Department of Paediatrics at Addenbrookes, Cambridge University Hospitals NHS Foundation Trust (UK)
Classification: Uncertain significance for Autosomal recessive spinocerebellar ataxia 18. Last evaluated: 2025-05-27. Review status: criteria provided, single submitter. Criteria: Durkie Uk Practice Guidelines For Variant Classification V12 2024 (1). Collection method: clinical testing. Allele origin: unknown.
Comment: PVS1_Moderate; PM2_Supporting